The following is an entry in ClinVar:

NM_031935.3(HMCN1):c.6032C>A (p.Ala2011Asp)

Gene: HMCN1 (hemicentin 1; plus strand). Cytogenetic location: 1q31.1.
Variant type: single nucleotide variant.
Coding change: c.6032C>A on transcript NM_031935.3 (MANE Select); coding-DNA position 6032, C replaced by A.
Protein change: p.Ala2011Asp; replaces alanine 2011 with aspartic acid.
Molecular consequence: missense variant.
Genome position (GRCh38, 1-based): chr1:186,039,731, C>A. VCF-style: chr1-186039731-C-A. GRCh37 (hg19) VCF-style: chr1-186008863-C-A.
Other names: short protein forms A2011D.
Identifiers: ClinVar variation 1954979 (VCV001954979.5), dbSNP rs755419853, ClinGen allele CA1292450.

ClinVar aggregate classification (germline): Uncertain significance (1 of 4 stars; one submission).

Allele frequency attached by ClinVar (database versions not stated): gnomAD exomes below 0.00001; ExAC 0.00002.
gnomAD v4.1: 2 of 1,613,148 alleles (0.00012%); highest among the groups gnomAD compares: Admixed American, 0.0033%; no homozygotes.

Submission:

Labcorp Genetics (formerly Invitae), Labcorp
Classification: Uncertain significance. Last evaluated: 2022-03-16. Review status: criteria provided, single submitter. Criteria: Invitae Variant Classification Sherloc (09022015). Collection method: clinical testing. Allele origin: germline.
Comment: Algorithms developed to predict the effect of missense changes on protein structure and function are either unavailable or do not agree on the potential impact of this missense change (SIFT: "Deleterious"; PolyPhen-2: "Benign"; Align-GVGD: "Class C0"). In summary, the available evidence is currently insufficient to determine the role of this variant in disease. Therefore, it has been classified as a Variant of Uncertain Significance. This variant has not been reported in the literature in individuals affected with HMCN1-related conditions. This variant is present in population databases (rs755419853, gnomAD 0.006%). This sequence change replaces alanine, which is neutral and non-polar, with aspartic acid, which is acidic and polar, at codon 2011 of the HMCN1 protein (p.Ala2011Asp).